The following is an entry in ClinVar:

NM_015884.4(MBTPS2):c.933T>C (p.Ser311=)

Gene: MBTPS2 (membrane bound transcription factor peptidase, site 2; plus strand). Cytogenetic location: Xp22.12.
Variant type: single nucleotide variant.
Coding change: c.933T>C on transcript NM_015884.4 (MANE Select); coding-DNA position 933, T replaced by C.
Protein change: p.Ser311=; no amino-acid change (serine 311 retained).
Molecular consequence: synonymous variant.
Genome position (GRCh38, 1-based): chrX:21,869,641, T>C. VCF-style: chrX-21869641-T-C. GRCh37 (hg19) VCF-style: chrX-21887759-T-C.
Identifiers: ClinVar variation 2660154 (VCV002660154.26), dbSNP rs772548956, ClinGen allele CA10367610.

ClinVar aggregate classification (germline): Likely benign. Review status: criteria provided, multiple submitters, no conflicts (2 of 4 stars). 2 submissions from 2 submitters: Likely benign (2). Last evaluated 2024-05-12.

Allele frequency attached by ClinVar (database versions not stated): ExAC 0.00001; gnomAD 0.00001; gnomAD exomes 0.00001; TOPMed 0.00001.
gnomAD v4.1: 8 of 1,208,706 alleles (0.00066%); highest among the groups gnomAD compares: Admixed American, 0.0022%; no homozygotes.

Submissions (2):

Labcorp Genetics (formerly Invitae), Labcorp
Classification: Likely benign. Last evaluated: 2024-05-12. Review status: criteria provided, single submitter. Criteria: Invitae Variant Classification Sherloc (09022015). Collection method: clinical testing. Allele origin: germline.

CeGaT Center for Human Genetics Tuebingen
Classification: Likely benign. Last evaluated: 2023-07-01. Review status: criteria provided, single submitter. Criteria: CeGaT Center For Human Genetics Tuebingen Variant Classification Criteria Version 2. Collection method: clinical testing. Allele origin: germline. Affected: yes. Observed: 1 variant allele.
Comment: MBTPS2: BP4, BP7